The following is an entry in ClinVar:

ClinVar aggregate classification (germline): Pathogenic. Review status: criteria provided, single submitter (1 of 4 stars). 2 submissions from 2 submitters: Pathogenic (1). 1 of the submissions does not count toward it. Last evaluated 2024-03-14.

Conditions:
Glycine encephalopathy 1 (GCE1). Identifiers: MedGen CN376801, MONDO:0958179, OMIM 605899.
Glycine encephalopathy. Also called: Non-ketotic hyperglycinemia; Nonketotic hyperglycinemia. Identifiers: Orphanet 407, MedGen C0751748, MONDO:0011612, HP:0008288.

Allele frequency attached by ClinVar (database versions not stated): TOPMed below 0.00001.

Submissions (2):

Labcorp Genetics (formerly Invitae), Labcorp
Classification: Pathogenic for Glycine encephalopathy. Last evaluated: 2024-03-14. Review status: criteria provided, single submitter. Criteria: Invitae Variant Classification Sherloc (09022015). Collection method: clinical testing. Allele origin: germline.
Comment: This sequence change replaces glycine, which is neutral and non-polar, with serine, which is neutral and polar, at codon 607 of the GLDC protein (p.Gly607Ser). This variant is not present in population databases (gnomAD no frequency). This missense change has been observed in individual(s) with Glycine encephalopathy (PMID: 26179960, 27896094). In at least one individual the data is consistent with being in trans (on the opposite chromosome) from a pathogenic variant. ClinVar contains an entry for this variant (Variation ID: 556772). Advanced modeling of protein sequence and biophysical properties (such as structural, functional, and spatial information, amino acid conservation, physicochemical variation, residue mobility, and thermodynamic stability) performed at Invitae indicates that this missense variant is expected to disrupt GLDC protein function with a positive predictive value of 80%. For these reasons, this variant has been classified as Pathogenic.

Counsyl
Classification: Uncertain significance for Glycine encephalopathy 1. Last evaluated: 2018-02-20. Review status: no assertion criteria provided. Collection method: clinical testing. Allele origin: unknown. Not counted in ClinVar's aggregate classification.

Literature cited by the submitters: PubMed 26179960 (cited by Labcorp Genetics (formerly Invitae), Labcorp and Counsyl); PubMed 27896094 (cited by Labcorp Genetics (formerly Invitae), Labcorp and Counsyl).

NM_000170.3(GLDC):c.1819G>A (p.Gly607Ser)

Gene: GLDC (glycine decarboxylase; minus strand). Cytogenetic location: 9p24.1.
Variant type: single nucleotide variant.
Coding change: c.1819G>A on transcript NM_000170.3 (MANE Select); coding-DNA position 1819, G replaced by A.
Protein change: p.Gly607Ser; replaces glycine 607 with serine.
Molecular consequence: missense variant.
Genome position (GRCh38, 1-based): chr9:6,587,172, C>T on the plus strand (G>A on the coding strand, the complement: GLDC is on the minus strand). VCF-style: chr9-6587172-C-T. GRCh37 (hg19) VCF-style: chr9-6587172-C-T.
Other names: short protein forms G607S.
Identifiers: ClinVar variation 556772 (VCV000556772.4), dbSNP rs1554646517, ClinGen allele CA372891290.